The following is an entry in ClinVar:

NM_002017.5(FLI1):c.498A>G (p.Glu166=)

Gene: FLI1 (Fli-1 proto-oncogene, ETS transcription factor; plus strand). Cytogenetic location: 11q24.3.
Variant type: single nucleotide variant.
Coding change: c.498A>G on transcript NM_002017.5 (MANE Select); coding-DNA position 498, A replaced by G.
Protein change: p.Glu166=; no amino-acid change (glutamic acid 166 retained).
Molecular consequence: synonymous variant. On other transcripts: intron variant (1).
Genome position (GRCh38, 1-based): chr11:128,772,894, A>G. VCF-style: chr11-128772894-A-G. GRCh37 (hg19) VCF-style: chr11-128642789-A-G.
Other names: c.399A>G, p.Glu133= (NM_001167681.3); c.300A>G, p.Glu100= (NM_001271010.2); c.11-9064A>G (NM_001271012.2).
Identifiers: ClinVar variation 3702662 (VCV003702662.3).

ClinVar aggregate classification (germline): Likely benign. Review status: criteria provided, multiple submitters, no conflicts (2 of 4 stars). 2 submissions from 2 submitters: Likely benign (2). Last evaluated 2026-07-01.

gnomAD v4.1: 39 of 1,613,904 alleles (0.0024%); highest among the groups gnomAD compares: Admixed American, 0.005%; no homozygotes.

Submissions (2):

CeGaT Center for Human Genetics Tuebingen
Classification: Likely benign. Last evaluated: 2026-07-01. Review status: criteria provided, single submitter. Criteria: CeGaT Center For Human Genetics Tuebingen Variant Classification Criteria Version 2. Collection method: clinical testing. Allele origin: germline. Affected: yes. Observed: 1 variant allele.
Comment: FLI1: BP4, BP7

Labcorp Genetics (formerly Invitae), Labcorp
Classification: Likely benign. Last evaluated: 2025-09-22. Review status: criteria provided, single submitter. Criteria: Invitae Variant Classification Sherloc (09022015). Collection method: clinical testing. Allele origin: germline.